The following is an entry in ClinVar:

ClinVar aggregate classification (germline): Uncertain significance. Review status: criteria provided, multiple submitters, no conflicts (2 of 4 stars). 2 submissions from 2 submitters: Uncertain significance (2). Last evaluated 2021-08-30.

Allele frequency attached by ClinVar (database versions not stated): gnomAD 0.00002; gnomAD exomes 0.00006; ExAC 0.00008.

Submissions (2):

Labcorp Genetics (formerly Invitae), Labcorp
Classification: Uncertain significance. Last evaluated: 2021-08-30. Review status: criteria provided, single submitter. Criteria: Invitae Variant Classification Sherloc (09022015). Collection method: clinical testing. Allele origin: germline.
Comment: This sequence change replaces glycine with serine at codon 76 of the PEPD protein (p.Gly76Ser). The glycine residue is highly conserved and there is a small physicochemical difference between glycine and serine. This variant is present in population databases (rs749151683, ExAC 0.04%). This variant has not been reported in the literature in individuals affected with PEPD-related conditions. Algorithms developed to predict the effect of missense changes on protein structure and function (SIFT, PolyPhen-2, Align-GVGD) all suggest that this variant is likely to be disruptive. Algorithms developed to predict the effect of sequence changes on RNA splicing suggest that this variant may create or strengthen a splice site. In summary, the available evidence is currently insufficient to determine the role of this variant in disease. Therefore, it has been classified as a Variant of Uncertain Significance.

Blueprint Genetics
Classification: Uncertain significance. Last evaluated: 2019-09-23. Review status: criteria provided, single submitter. Criteria: ACMG Guidelines, 2015. Collection method: clinical testing. Allele origin: germline.

NM_000285.4(PEPD):c.226G>A (p.Gly76Ser)

Gene: PEPD (peptidase D; minus strand). Cytogenetic location: 19q13.11.
Variant type: single nucleotide variant.
Coding change: c.226G>A on transcript NM_000285.4 (MANE Select); coding-DNA position 226, G replaced by A.
Protein change: p.Gly76Ser; replaces glycine 76 with serine.
Molecular consequence: missense variant. On other transcripts: intron variant (1).
Genome position (GRCh38, 1-based): chr19:33,511,131, C>T on the plus strand (G>A on the coding strand, the complement: PEPD is on the minus strand). VCF-style: chr19-33511131-C-T. GRCh37 (hg19) VCF-style: chr19-34002037-C-T.
Other names: c.226G>A, p.Gly76Ser (NM_001166056.2); c.201+1462G>A (NM_001166057.2); short protein forms G76S.
Identifiers: ClinVar variation 1444077 (VCV001444077.6), dbSNP rs749151683, ClinGen allele CA9364434.
Genomic context (GRCh38, chr19:33,511,131, plus strand): 5'-ACAGGGTCGACTTCCCAGTGTCAACATCGATGACACCATAGCAGCCTGGCTCAGTGACAC[C>T]GAACGCCCAGTGAAAGAAGGACTCCTGTGGCGGGAACAAGAACTATTGTTAGCCAGTGGA-3'
Protein context (NP_000276.2, residues 66-86): RQESFFHWAF[Gly76Ser]VTEPGCYGVI